The following is an entry in ClinVar:

NM_017849.4(TMEM127):c.2T>A (p.Met1Lys)

Genes: TMEM127 (transmembrane protein 127; minus strand), LOC129934333 (ATAC-STARR-seq lymphoblastoid silent region 11759; plus strand). Cytogenetic location: 2q11.2.
Variant type: single nucleotide variant.
Coding change: c.2T>A on transcript NM_017849.4 (MANE Select); coding-DNA position 2, T replaced by A.
Protein change: p.Met1Lys; changes the start codon (methionine 1).
Molecular consequence: missense variant, initiator codon variant.
Genome position (GRCh38, 1-based): chr2:96,265,380, A>T on the plus strand (T>A on the coding strand, the complement: TMEM127 is on the minus strand). VCF-style: chr2-96265380-A-T. GRCh37 (hg19) VCF-style: chr2-96931118-A-T.
Other names: c.2T>A, p.Met1Lys (NM_001193304.3); c.2T>A (NM_017849.3); short protein forms M1K.
Identifiers: ClinVar variation 1452727 (VCV001452727.7), dbSNP rs1684398953, ClinGen allele CA347656376.

ClinVar aggregate classification (germline): Pathogenic. Review status: criteria provided, multiple submitters, no conflicts (2 of 4 stars). 2 submissions from 2 submitters: Pathogenic (2). Last evaluated 2025-11-12.

Conditions:
Hereditary cancer-predisposing syndrome. Also called: Tumor predisposition; Hereditary Cancer Syndrome; Hereditary neoplastic syndrome; Neoplastic Syndromes, Hereditary. Identifiers: Orphanet 140162, MedGen C0027672, MeSH D009386, MONDO:0015356.
Hereditary pheochromocytoma and paraganglioma. Also called: Hereditary paragangliomas and pheochromocytomas; Hereditary Paraganglioma-Pheochromocytoma Syndromes; Hereditary pheochromocytoma-paraganglioma. Identifiers: Orphanet 29072, MedGen C4274332, MONDO:0017366.

Submissions (2):

Ambry Genetics
Classification: Pathogenic for Hereditary cancer-predisposing syndrome. Last evaluated: 2025-11-12. Review status: criteria provided, single submitter. Criteria: Ambry Variant Classification Scheme 2023. Collection method: clinical testing. Allele origin: germline.
Comment: The p.M1? pathogenic mutation (also known as c.2T>A) is located in coding exon 1 of the TMEM127 gene and results from a T to A substitution at nucleotide position 1. This alters the methionine residue at the initiation codon (ATG). This variant was reported in individual(s) with features consistent with TMEM127-related hereditary pheochromocytoma-paraganglioma (Armaiz-Pena et al. J Clin Endocrinol Metab 2021 Jan;106(1):e350-e364). This variant is considered to be rare based on population cohorts in the Genome Aggregation Database (gnomAD). This amino acid position is highly conserved in available vertebrate species. In addition to the clinical data presented in the literature, sequence variations that modify the initiation codon are expected to result in either loss of translation initiation, N-terminal truncation, or cause a shift in the mRNA reading frame. Based on the supporting evidence, this variant is interpreted as a disease-causing mutation.

Labcorp Genetics (formerly Invitae), Labcorp
Classification: Pathogenic for Hereditary pheochromocytoma and paraganglioma. Last evaluated: 2021-07-01. Review status: criteria provided, single submitter. Criteria: Invitae Variant Classification Sherloc (09022015). Collection method: clinical testing. Allele origin: germline.
Comment: For these reasons, this variant has been classified as Pathogenic. Experimental studies have shown that disruption of the initiator codon affects TMEM127 protein function (PMID: 21156949). Algorithms developed to predict the effect of variants on protein structure and function are not available or were not evaluated for this variant. Disruption of the initiator codon has been observed in individuals with paraganglioma-pheochromocytoma syndrome (PMID: 28384794, 29282712; Invitae). The frequency data for this variant in the population databases is considered unreliable, as metrics indicate insufficient coverage at this position in the ExAC database. This sequence change affects the initiator methionine of the TMEM127 mRNA. The next in-frame methionine is located at codon 85.

Literature cited by the submitters: PubMed 33051659 (cited by Ambry Genetics); PubMed 21156949 (cited by Labcorp Genetics (formerly Invitae), Labcorp); PubMed 28384794 (cited by Labcorp Genetics (formerly Invitae), Labcorp); PubMed 29282712 (cited by Labcorp Genetics (formerly Invitae), Labcorp).